The following is an entry in ClinVar:

NM_020207.7(ERCC6L2):c.4084_4087del (p.Ser1362fs)

Gene: ERCC6L2 (ERCC excision repair 6 like 2; plus strand). Cytogenetic location: 9q22.32.
Variant type: Deletion.
Coding change: c.4084_4087del on transcript NM_020207.7 (MANE Select); coding-DNA positions 4084 to 4087, 4 bases deleted (AGTT; older notation c.4084_4087delAGTT).
Protein change: p.Ser1362fs; shifts the reading frame from serine 1362.
Molecular consequence: frameshift variant. On other transcripts: non-coding transcript variant (1), intron variant (2).
Genome position (GRCh38, 1-based): chr9:96,012,634-96,012,637, AGTT deleted; deleting any 4 consecutive bases within chr9:96,012,631-96,012,637 gives the same sequence; the c. name uses the placement nearest the transcript's 3' end. VCF-style (leftmost placement, unchanged base first): chr9-96012630-TGTTA-T. GRCh37 (hg19) VCF-style: chr9-98774912-TGTTA-T.
Other names: c.4084_4087delAGTT (NM_020207.7); c.3674+7933_3674+7936del (NM_001375291.1, NM_001375292.1); short protein forms S1362fs.
Identifiers: ClinVar variation 4850252 (VCV004850252.1).

ClinVar aggregate classification (germline): Likely pathogenic (1 of 4 stars; one submission).

Conditions:
Pancytopenia-developmental delay syndrome. Also called: Bone marrow failure syndrome 2. Identifiers: Orphanet 401764, MedGen C3810350, MONDO:0014317, OMIM 615715.

Submission:

First Genomix Gene Laboratory, Genetic Diagnostics Department
Classification: Likely pathogenic for Pancytopenia-developmental delay syndrome. Last evaluated: 2025-09-04. Review status: criteria provided, single submitter. Criteria: ACMG Guidelines, 2015. Collection method: clinical testing. Allele origin: germline. Inheritance: Autosomal recessive inheritance. Affected: no. Observed: 1 variant allele.